The following is an entry in ClinVar:

NM_203446.3(SYNJ1):c.809G>A (p.Arg270His)

Gene: SYNJ1 (synaptojanin 1; minus strand). Cytogenetic location: 21q22.11.
Variant type: single nucleotide variant.
Coding change: c.809G>A on transcript NM_203446.3 (MANE Select); coding-DNA position 809, G replaced by A.
Protein change: p.Arg270His; replaces arginine 270 with histidine.
Molecular consequence: missense variant.
Genome position (GRCh38, 1-based): chr21:32,688,348, C>T on the plus strand (G>A on the coding strand, the complement: SYNJ1 is on the minus strand). VCF-style: chr21-32688348-C-T. GRCh37 (hg19) VCF-style: chr21-34060658-C-T.
Other names: c.809G>A, p.Arg270His (NM_001160302.2, NM_001160306.2); c.926G>A, p.Arg309His (NM_003895.4); short protein forms R309H, R270H.
Identifiers: ClinVar variation 544553 (VCV000544553.10), dbSNP rs532075408, ClinGen allele CA10004035.

ClinVar aggregate classification (germline): Uncertain significance. Review status: criteria provided, multiple submitters, no conflicts (2 of 4 stars). 2 submissions from 2 submitters: Uncertain significance (2). Last evaluated 2024-10-22.

Conditions:
Developmental and epileptic encephalopathy, 53. Also called: Epileptic encephalopathy, early infantile, 53. Identifiers: MedGen C4479313, MONDO:0033362, OMIM 617389.
Early-onset Parkinson disease 20. Also called: PARKINSON DISEASE 20, AUTOSOMAL RECESSIVE EARLY-ONSET. Identifiers: Orphanet 391411, MedGen C3809824, MONDO:0014233, OMIM 615530.

Allele frequency attached by ClinVar (database versions not stated): TOPMed 0.00003; 1000 Genomes Project 0.00040; 1000 Genomes Project 30x 0.00047.
gnomAD v4.1: 34 of 1,613,584 alleles (0.0021%); highest among the groups gnomAD compares: East Asian, 0.027%; no homozygotes.

Submissions (2):

Labcorp Genetics (formerly Invitae), Labcorp
Classification: Uncertain significance for Developmental and epileptic encephalopathy, 53; Early-onset Parkinson disease 20. Last evaluated: 2024-10-22. Review status: criteria provided, single submitter. Criteria: Invitae Variant Classification Sherloc (09022015). Collection method: clinical testing. Allele origin: germline.
Comment: This sequence change replaces arginine, which is basic and polar, with histidine, which is basic and polar, at codon 309 of the SYNJ1 protein (p.Arg309His). This variant is present in population databases (rs532075408, gnomAD 0.05%). This variant has not been reported in the literature in individuals affected with SYNJ1-related conditions. ClinVar contains an entry for this variant (Variation ID: 544553). Invitae Evidence Modeling of protein sequence and biophysical properties (such as structural, functional, and spatial information, amino acid conservation, physicochemical variation, residue mobility, and thermodynamic stability) indicates that this missense variant is not expected to disrupt SYNJ1 protein function with a negative predictive value of 80%. In summary, the available evidence is currently insufficient to determine the role of this variant in disease. Therefore, it has been classified as a Variant of Uncertain Significance.

Blueprint Genetics
Classification: Uncertain significance. Last evaluated: 2023-03-23. Review status: criteria provided, single submitter. Criteria: ACMG Guidelines, 2015. Collection method: clinical testing. Allele origin: germline.